The following is an entry in ClinVar:

NM_004415.4(DSP):c.192G>T (p.Arg64Ser)

Gene: DSP (desmoplakin; plus strand). Cytogenetic location: 6p24.3.
Variant type: single nucleotide variant.
Coding change: c.192G>T on transcript NM_004415.4 (MANE Select); coding-DNA position 192, G replaced by T.
Protein change: p.Arg64Ser; replaces arginine 64 with serine.
Molecular consequence: missense variant.
Genome position (GRCh38, 1-based): chr6:7,555,739, G>T. VCF-style: chr6-7555739-G-T. GRCh37 (hg19) VCF-style: chr6-7555972-G-T.
Other names: c.192G>T, p.Arg64Ser (NM_001008844.3, NM_001319034.2); short protein forms R64S.
Identifiers: ClinVar variation 1172354 (VCV001172354.3), dbSNP rs908789038, ClinGen allele CA362670652.

ClinVar aggregate classification (germline): Uncertain significance (1 of 4 stars; one submission).

Conditions:
Cardiomyopathy (CMYO). Also called: Cardiomyopathies. Identifiers: Orphanet 167848, MedGen C0878544, MONDO:0004994, HP:0001638. Inheritance: Various modes of inheritance.

gnomAD v4.1: 3 of 1,614,198 alleles (0.00019%); highest among the groups gnomAD compares: South Asian, 0.0033%; no homozygotes.

Submission:

Color Diagnostics, LLC DBA Color Health
Classification: Uncertain significance for Cardiomyopathy. Last evaluated: 2024-03-06. Review status: criteria provided, single submitter. Criteria: ACMG Guidelines, 2015. Collection method: clinical testing. Allele origin: germline.
Comment: This missense variant replaces arginine with serine at codon 64 of the DSP protein. Computational prediction suggests that this variant may not impact protein structure and function (internally defined REVEL score threshold <= 0.5, PMID: 27666373). To our knowledge, functional studies have not been reported for this variant. This variant has not been reported in individuals affected with cardiovascular disorders in the literature. This variant has not been identified in the general population by the Genome Aggregation Database (gnomAD). The available evidence is insufficient to determine the role of this variant in disease conclusively. Therefore, this variant is classified as a Variant of Uncertain Significance.